The following is an entry in ClinVar:

ClinVar aggregate classification (germline): Pathogenic (1 of 4 stars; one submission).

Submission:

Quest Diagnostics Nichols Institute San Juan Capistrano
Classification: Pathogenic. Last evaluated: 2022-01-28. Review status: criteria provided, single submitter. Criteria: ACMG/ClinGen CNV Guidelines, 2019. Collection method: clinical testing. Allele origin: unknown.
Comment: These variations are likely due to an unbalanced chromosome rearrangement. These imbalances are expected to cause phenotypic and/or developmental abnormalities. The 6p25.3p25.2 deletion includes the FOXC1 gene and is associated with chromosome 6pter-p24 deletion syndrome (OMIM 612582). Patients phenotypically may express developmental delay, hypotonia, and most had an abnormal skull shape, such as brachycephaly, dolichocephaly, or frontal bossing. Variable features included downslanting palpebral fissures, midface hypoplasia, anterior eye chamber abnormalities, ear anomalies, hearing loss, heart defects, and a short neck. Mirza et al. (PMID: 15150541) suggested that FOXC1 was likely involved in the eye anomalies of the syndrome. Specifically, Axenfeld-Rieger syndrome type 3 (OMIM 602482) is caused by mutation in the FOXC1 gene. Deletions or duplications encompassing FOXC1 are also associated with cerebellar and posteriorfossa malformations including cerebellar vermis hypoplasia, mega-cisterna magna and Dandy-Walker malformation (PMID: 19668217). Terminal 22q duplications have been reported to result in a consistent clinical presentation including short stature, microcephaly, hypertelorism, cleft lip or palate, low-set ears, and intellectual disability (PMIDs: 32903739, 19239079).

GRCh37/hg19 6p25.3-25.2(chr6:156975-3718881)x1

Genes: BPHL (biphenyl hydrolase like; plus strand), DUSP22 (dual specificity phosphatase 22; plus strand), EXOC2 (exocyst complex component 2; minus strand), FOXC1 (forkhead box C1; plus strand), FOXF2 (forkhead box F2; plus strand) and 16 more. Cytogenetic location: 6p25.3-25.2.
Variant type: copy number loss.
Change: copy number 1 (one copy instead of two) of chr6:156,975-3,718,881 (3.56 Mb, GRCh37 coordinates, 1-based), cytogenetic band 6p25.3-25.2.
Identifiers: ClinVar variation 1808724 (VCV001808724.1).